The following is an entry in ClinVar:

NM_004656.4(BAP1):c.1993C>T (p.Gln665Ter)

Gene: BAP1 (BRCA1 associated deubiquitinase 1; minus strand). Cytogenetic location: 3p21.1.
Variant type: single nucleotide variant.
Coding change: c.1993C>T on transcript NM_004656.4 (MANE Select); coding-DNA position 1993, C replaced by T.
Protein change: p.Gln665Ter; replaces glutamine 665 with a stop codon.
Molecular consequence: nonsense.
Genome position (GRCh38, 1-based): chr3:52,402,665, G>A on the plus strand (C>T on the coding strand, the complement: BAP1 is on the minus strand). VCF-style: chr3-52402665-G-A. GRCh37 (hg19) VCF-style: chr3-52436681-G-A.
Other names: short protein forms Q665*.
Identifiers: ClinVar variation 820463 (VCV000820463.12), dbSNP rs1578218761, ClinGen allele CA353096363.
Genomic context (GRCh38, chr3:52,402,665, plus strand): 5'-CCTGAGCCAGCATGGAGATAAAGGTGCAGATGAACTCATCGTAGTTGTGGGTCCTTCTCT[G>A]GTCATCAATCTGTAGGAGAGAAGAAGACTGAGAGCACTGGAGCCAATCTTGCCAGAGCAG-3'

ClinVar aggregate classification (germline): Pathogenic/Likely pathogenic. Review status: criteria provided, multiple submitters, no conflicts (2 of 4 stars). 4 submissions from 4 submitters: Pathogenic (3); Likely pathogenic (1). Last evaluated 2024-09-24.

Conditions:
Hereditary cancer-predisposing syndrome. Also called: Neoplastic Syndromes, Hereditary; Tumor predisposition; Hereditary Cancer Syndrome; Hereditary neoplastic syndrome. Identifiers: Orphanet 140162, MedGen C0027672, MeSH D009386, MONDO:0015356.
BAP1-related disorder. Also called: BAP1-related condition.
BAP1-related tumor predisposition syndrome (TPDS1). Also called: Tumor susceptibility linked to germline BAP1 mutations; BAP1 tumor predisposition syndrome; COMMON Syndrome; TUMOR PREDISPOSITION SYNDROME 1. Identifiers: Orphanet 289539, MedGen C3280492, MONDO:0013692, OMIM 614327.

Submissions (4):

Blueprint Genetics
Classification: Likely pathogenic for BAP1-related disorders. Last evaluated: 2024-09-24. Review status: criteria provided, single submitter. Criteria: ACMG Guidelines, 2015. Collection method: clinical testing. Allele origin: germline. Affected: yes. Observed: 1 variant allele.

Myriad Genetics, Inc.
Classification: Pathogenic for BAP1-related tumor predisposition syndrome. Last evaluated: 2023-05-17. Review status: criteria provided, single submitter. Criteria: Myriad Autosomal Dominant, Autosomal Recessive and X-Linked Classification Criteria (2023). Collection method: clinical testing. Allele origin: unknown.
Comment: This variant is considered pathogenic. This variant creates a termination codon and is predicted to result in premature protein truncation.

Labcorp Genetics (formerly Invitae), Labcorp
Classification: Pathogenic for BAP1-related tumor predisposition syndrome. Last evaluated: 2022-07-14. Review status: criteria provided, single submitter. Criteria: Invitae Variant Classification Sherloc (09022015). Collection method: clinical testing. Allele origin: germline.
Comment: This variant has not been reported in the literature in individuals affected with BAP1-related conditions. This sequence change creates a premature translational stop signal (p.Gln665*) in the BAP1 gene. It is expected to result in an absent or disrupted protein product. Loss-of-function variants in BAP1 are known to be pathogenic (PMID: 21874000, 23684012). This variant is not present in population databases (gnomAD no frequency). ClinVar contains an entry for this variant (Variation ID: 820463). For these reasons, this variant has been classified as Pathogenic.

Ambry Genetics
Classification: Pathogenic for Hereditary cancer-predisposing syndrome. Last evaluated: 2019-03-28. Review status: criteria provided, single submitter. Criteria: Ambry Variant Classification Scheme 2023. Collection method: clinical testing. Allele origin: germline.
Comment: The p.Q665* pathogenic mutation (also known as c.1993C>T), located in coding exon 16 of the BAP1 gene, results from a C to T substitution at nucleotide position 1993. This changes the amino acid from a glutamine to a stop codon within coding exon 16. This alteration is expected to result in loss of function by premature protein truncation or nonsense-mediated mRNA decay. As such, this alteration is interpreted as a disease-causing mutation.

Literature cited by the submitters: PubMed 21874000 (cited by Labcorp Genetics (formerly Invitae), Labcorp); PubMed 23684012 (cited by Labcorp Genetics (formerly Invitae), Labcorp).